The following is an entry in ClinVar:

ClinVar aggregate classification (germline): Uncertain significance (1 of 4 stars; one submission).

Allele frequency attached by ClinVar (database versions not stated): gnomAD 0.00005; ESP Exome Variant Server 0.00008; ExAC 0.00015; 1000 Genomes Project 30x 0.00031; 1000 Genomes Project 0.00040.
gnomAD v4.1: 109 of 1,607,866 alleles (0.0068%); highest among the groups gnomAD compares: East Asian, 0.13%; no homozygotes.

Submission:

Labcorp Genetics (formerly Invitae), Labcorp
Classification: Uncertain significance. Last evaluated: 2024-01-29. Review status: criteria provided, single submitter. Criteria: Invitae Variant Classification Sherloc (09022015). Collection method: clinical testing. Allele origin: germline.
Comment: This sequence change replaces alanine, which is neutral and non-polar, with valine, which is neutral and non-polar, at codon 474 of the LETM1 protein (p.Ala474Val). This variant is present in population databases (rs139115587, gnomAD 0.1%). This variant has not been reported in the literature in individuals affected with LETM1-related conditions. ClinVar contains an entry for this variant (Variation ID: 2163346). An algorithm developed to predict the effect of missense changes on protein structure and function (PolyPhen-2) suggests that this variant¬†is likely to be tolerated. In summary, the available evidence is currently insufficient to determine the role of this variant in disease. Therefore, it has been classified as a Variant of Uncertain Significance.

NM_012318.3(LETM1):c.1421C>T (p.Ala474Val)

Gene: LETM1 (leucine zipper and EF-hand containing transmembrane protein 1; minus strand). Cytogenetic location: 4p16.3.
Variant type: single nucleotide variant.
Coding change: c.1421C>T on transcript NM_012318.3 (MANE Select); coding-DNA position 1421, C replaced by T.
Protein change: p.Ala474Val; replaces alanine 474 with valine.
Molecular consequence: missense variant.
Genome position (GRCh38, 1-based): chr4:1,823,043, G>A on the plus strand (C>T on the coding strand, the complement: LETM1 is on the minus strand). VCF-style: chr4-1823043-G-A. GRCh37 (hg19) VCF-style: chr4-1824770-G-A.
Other names: short protein forms A474V.
Identifiers: ClinVar variation 2163346 (VCV002163346.2), dbSNP rs139115587, ClinGen allele CA2811286.